The following is an entry in ClinVar:

NM_001035223.4(RGL3):c.1473C>A (p.Thr491=)

Gene: RGL3 (ral guanine nucleotide dissociation stimulator like 3; minus strand). Cytogenetic location: 19p13.2.
Variant type: single nucleotide variant.
Coding change: c.1473C>A on transcript NM_001035223.4 (MANE Select); coding-DNA position 1473, C replaced by A.
Protein change: p.Thr491=; no amino-acid change (threonine 491 retained).
Molecular consequence: synonymous variant.
Genome position (GRCh38, 1-based): chr19:11,402,022, G>T on the plus strand (C>A on the coding strand, the complement: RGL3 is on the minus strand). VCF-style: chr19-11402022-G-T. GRCh37 (hg19) VCF-style: chr19-11512698-G-T.
Other names: c.1473C>A, p.Thr491= (NM_001161616.3).
Identifiers: ClinVar variation 3025589 (VCV003025589.22), dbSNP rs774663120, ClinGen allele CA9211271.
Genomic context (GRCh38, chr19:11,402,022, plus strand): 5'-GACCCAGGCTCAGCTGGGGTGGGGCTGGGACAGGCTACAGGGTGGTCACCTCTGCTCCTC[G>T]GTGAGCTGGTTCTGGGCATGCAGGGCAGCCAGGATGGGCGGGTGGGGGCTCAGGGTGTAG-3'
Protein context (NP_001030300.3, residues 481-501): LAALHAQNQL[Thr491=]EEQSYRLSRV

ClinVar aggregate classification (germline): Likely benign (1 of 4 stars; one submission).

gnomAD v4.1: 66 of 1,549,428 alleles (0.0043%); highest among the groups gnomAD compares: Admixed American, 0.0077%; no homozygotes.

Submission:

CeGaT Center for Human Genetics Tuebingen
Classification: Likely benign. Last evaluated: 2024-02-01. Review status: criteria provided, single submitter. Criteria: CeGaT Center For Human Genetics Tuebingen Variant Classification Criteria Version 2. Collection method: clinical testing. Allele origin: germline. Affected: yes. Observed: 1 variant allele.
Comment: RGL3: BP4